The following is an entry in ClinVar:

NM_024589.3(ROGDI):c.695+6T>C

Gene: ROGDI (rogdi atypical leucine zipper; minus strand). Cytogenetic location: 16p13.3.
Variant type: single nucleotide variant.
Coding change: c.695+6T>C on transcript NM_024589.3 (MANE Select); 6 bases into the intron after coding-DNA position 695, T replaced by C.
Molecular consequence: intron variant.
Genome position (GRCh38, 1-based): chr16:4,797,932, A>G on the plus strand (T>C on the coding strand, the complement: ROGDI is on the minus strand). VCF-style: chr16-4797932-A-G. GRCh37 (hg19) VCF-style: chr16-4847933-A-G.
Identifiers: ClinVar variation 1467871 (VCV001467871.6), dbSNP rs2082672876, ClinGen allele CA2203529030.

ClinVar aggregate classification (germline): Uncertain significance (1 of 4 stars; one submission).

Conditions:
Amelocerebrohypohidrotic syndrome (KTZS). Also called: EPILEPSY AND YELLOW TEETH; EPILEPSY, DEMENTIA, AND AMELOGENESIS IMPERFECTA; KOHLSCHUTTER SYNDROME; Kohlschutter's syndrome. Identifiers: Orphanet 1946, MedGen C0406740, MONDO:0009185, OMIM 226750.

Allele frequency attached by ClinVar (database versions not stated): TOPMed below 0.00001.

Submission:

Labcorp Genetics (formerly Invitae), Labcorp
Classification: Uncertain significance for Amelocerebrohypohidrotic syndrome. Last evaluated: 2021-05-28. Review status: criteria provided, single submitter. Criteria: Invitae Variant Classification Sherloc (09022015). Collection method: clinical testing. Allele origin: germline.
Comment: This variant has not been reported in the literature in individuals with ROGDI-related conditions. This variant is not present in population databases (ExAC no frequency). This sequence change falls in intron 9 of the ROGDI gene. It does not directly change the encoded amino acid sequence of the ROGDI protein. It affects a nucleotide within the consensus splice site of the intron. In summary, the available evidence is currently insufficient to determine the role of this variant in disease. Therefore, it has been classified as a Variant of Uncertain Significance. Nucleotide substitutions within the consensus splice site are a relatively common cause of aberrant splicing (PMID: 17576681, 9536098). Algorithms developed to predict the effect of sequence changes on RNA splicing suggest that this variant may disrupt the consensus splice site, but this prediction has not been confirmed by published transcriptional studies.

Literature cited by the submitters: PubMed 17576681; PubMed 9536098.